The following is an entry in ClinVar:

ClinVar aggregate classification (germline): Uncertain significance. Review status: criteria provided, multiple submitters, no conflicts (2 of 4 stars). 3 submissions from 3 submitters: Uncertain significance (3). Last evaluated 2026-02-14.

Conditions:
Cardiovascular phenotype. Identifiers: MedGen CN230736.
Dilated cardiomyopathy 1O (CMD1O). Also called: CARDIOMYOPATHY, DILATED, WITH VENTRICULAR TACHYCARDIA. Identifiers: Orphanet 154, MedGen C1837839, MONDO:0012062, OMIM 608569.

Allele frequency attached by ClinVar (database versions not stated): ESP Exome Variant Server 0.00008; 1000 Genomes Project 0.00020; 1000 Genomes Project 30x 0.00031; gnomAD 0.00003 and 0.00004; TOPMed 0.00005; gnomAD exomes below 0.00001 and 0.00001; ExAC 0.00002.
gnomAD v4.1: 11 of 1,613,788 alleles (0.00068%); highest among the groups gnomAD compares: African/African-American, 0.015%; no homozygotes.

Submissions (3):

Women's Health and Genetics/Laboratory Corporation of America, LabCorp
Classification: Uncertain significance. Last evaluated: 2026-02-14. Review status: criteria provided, single submitter. Criteria: LabCorp Variant Classification Summary - May 2015. Collection method: clinical testing. Allele origin: germline.

Labcorp Genetics (formerly Invitae), Labcorp
Classification: Uncertain significance for Dilated cardiomyopathy 1O. Last evaluated: 2025-12-23. Review status: criteria provided, single submitter. Criteria: Invitae Variant Classification Sherloc (09022015). Collection method: clinical testing. Allele origin: germline.
Comment: This sequence change replaces phenylalanine, which is neutral and non-polar, with leucine, which is neutral and non-polar, at codon 834 of the ABCC9 protein (p.Phe834Leu). This variant is present in population databases (rs367776754, gnomAD 0.01%). This variant has not been reported in the literature in individuals affected with ABCC9-related conditions. ClinVar contains an entry for this variant (Variation ID: 533281). An algorithm developed to predict the effect of missense changes on protein structure and function outputs the following: PolyPhen-2: "Benign". The leucine amino acid residue is found in multiple mammalian species, which suggests that this missense change does not adversely affect protein function. In summary, the available evidence is currently insufficient to determine the role of this variant in disease. Therefore, it has been classified as a Variant of Uncertain Significance.

Ambry Genetics
Classification: Uncertain significance for Cardiovascular phenotype. Last evaluated: 2025-07-29. Review status: criteria provided, single submitter. Criteria: Ambry Variant Classification Scheme 2023. Collection method: clinical testing. Allele origin: germline.
Comment: The p.F834L variant (also known as c.2500T>C), located in coding exon 20 of the ABCC9 gene, results from a T to C substitution at nucleotide position 2500. The phenylalanine at codon 834 is replaced by leucine, an amino acid with highly similar properties. This amino acid position is highly conserved in available vertebrate species. In addition, the in silico prediction for this alteration is inconclusive. Based on the available evidence, the clinical significance of this variant remains unclear.

NM_020297.4(ABCC9):c.2500T>C (p.Phe834Leu)

Gene: ABCC9 (ATP binding cassette subfamily C member 9; minus strand). Cytogenetic location: 12p12.1.
Variant type: single nucleotide variant.
Coding change: c.2500T>C on transcript NM_020297.4 (MANE Select); coding-DNA position 2500, T replaced by C.
Protein change: p.Phe834Leu; replaces phenylalanine 834 with leucine.
Molecular consequence: missense variant.
Genome position (GRCh38, 1-based): chr12:21,859,591, A>G on the plus strand (T>C on the coding strand, the complement: ABCC9 is on the minus strand). VCF-style: chr12-21859591-A-G. GRCh37 (hg19) VCF-style: chr12-22012525-A-G.
Other names: c.2500T>C, p.Phe834Leu (NM_001377273.1, NM_005691.4); c.1633T>C, p.Phe545Leu (NM_001377274.1); short protein forms F834L, F545L.
Identifiers: ClinVar variation 533281 (VCV000533281.13), dbSNP rs367776754, ClinGen allele CA6481359.